The following is an entry in ClinVar:

ClinVar aggregate classification (germline): Uncertain significance (1 of 4 stars; one submission).

Conditions:
PCNT-related disorder. Also called: PCNT-related condition.

gnomAD v4.1: 3 of 1,613,728 alleles (0.00019%); highest among the groups gnomAD compares: Non-Finnish European, 0.00025%; no homozygotes.

Submission:

PreventionGenetics, part of Exact Sciences
Classification: Uncertain significance for PCNT-related condition. Last evaluated: 2025-03-14. Review status: criteria provided, single submitter. Criteria: ACMG Guidelines, 2015. Collection method: clinical testing. Allele origin: germline.
Comment: The PCNT c.9706C>G variant is predicted to result in the amino acid substitution p.Arg3236Gly. To our knowledge, this variant has not been reported in the literature. This variant is reported in 0.00088% of alleles in individuals of European (Non-Finnish) descent in gnomAD. At this time, the clinical significance of this variant is uncertain due to the absence of conclusive functional and genetic evidence.

NM_006031.6(PCNT):c.9706C>G (p.Arg3236Gly)

Gene: PCNT (pericentrin; plus strand). Cytogenetic location: 21q22.3.
Variant type: single nucleotide variant.
Coding change: c.9706C>G on transcript NM_006031.6 (MANE Select); coding-DNA position 9706, C replaced by G.
Protein change: p.Arg3236Gly; replaces arginine 3236 with glycine.
Molecular consequence: missense variant.
Genome position (GRCh38, 1-based): chr21:46,443,815, C>G. VCF-style: chr21-46443815-C-G. GRCh37 (hg19) VCF-style: chr21-47863728-C-G.
Other names: c.9115C>G, p.Arg3039Gly (NM_001315529.2); short protein forms R3236G, R3039G.
Identifiers: ClinVar variation 4997542 (VCV004997542.1).